The following is an entry in ClinVar:

ClinVar aggregate classification (germline): Uncertain significance (1 of 4 stars; one submission).

Submission:

Laboratorio de Genetica e Diagnostico Molecular, Hospital Israelita Albert Einstein
Classification: Uncertain significance. Last evaluated: 2020-01-23. Review status: criteria provided, single submitter. Criteria: ACMG Guidelines, 2015. Collection method: clinical testing. Allele origin: germline. Affected: yes.
Comment: ACMG classification criteria: PM2, PP3

NM_005445.4(SMC3):c.299G>A (p.Arg100Lys)

Gene: SMC3 (structural maintenance of chromosomes 3; plus strand). Cytogenetic location: 10q25.2.
Variant type: single nucleotide variant.
Coding change: c.299G>A on transcript NM_005445.4 (MANE Select); coding-DNA position 299, G replaced by A.
Protein change: p.Arg100Lys; replaces arginine 100 with lysine.
Molecular consequence: missense variant.
Genome position (GRCh38, 1-based): chr10:110,577,863, G>A. VCF-style: chr10-110577863-G-A. GRCh37 (hg19) VCF-style: chr10-112337621-G-A.
Other names: short protein forms R100K.
Identifiers: ClinVar variation 1690782 (VCV001690782.2), dbSNP rs2134719390, ClinGen allele CA378372530.